The following is an entry in ClinVar:

NM_000169.3(GLA):c.567G>C (p.Leu189Phe)

Genes: GLA (galactosidase alpha; minus strand), RPL36A-HNRNPH2 (RPL36A-HNRNPH2 readthrough; plus strand). Cytogenetic location: Xq22.1.
Variant type: single nucleotide variant.
Coding change: c.567G>C on transcript NM_000169.3 (MANE Select); coding-DNA position 567, G replaced by C.
Protein change: p.Leu189Phe; replaces leucine 189 with phenylalanine.
Molecular consequence: missense variant. On other transcripts: non-coding transcript variant (2), intron variant (2).
Genome position (GRCh38, 1-based): chrX:101,400,738, C>G on the plus strand (G>C on the coding strand, the complement: GLA is on the minus strand). VCF-style: chrX-101400738-C-G. GRCh37 (hg19) VCF-style: chrX-100655726-C-G.
Other names: c.690G>C, p.Leu230Phe (NM_001406747.1); c.567G>C, p.Leu189Phe (NM_001406748.1); c.300+5281C>G (NM_001199973.2); c.177+8916C>G (NM_001199974.2); short protein forms L189F, L230F.
Identifiers: ClinVar variation 1901767 (VCV001901767.9), dbSNP rs869312343, ClinGen allele CA352673.
Genomic context (GRCh38, chrX:101,400,738, plus strand): 5'-CCACATATAAAGAGGCCACTCACAGGAGTACACAATGCTTCTGCCAGTCCTATTCAGGGC[C>G]AAGGACATGTGCTTATAACCTGTATGAGAAAACAATGGGTAAAATAAGGGAAAGAAATGA-3'
Protein context (NP_000160.1, residues 179-199): NLADGYKHMS[Leu189Phe]ALNRTGRSIV

ClinVar aggregate classification (germline): Uncertain significance. Review status: criteria provided, multiple submitters, no conflicts (2 of 4 stars). 4 submissions from 4 submitters: Uncertain significance (4). Last evaluated 2026-08-06.

Conditions:
Fabry disease. Also called: GLA DEFICIENCY; HEREDITARY DYSTOPIC LIPIDOSIS; Angiokeratoma corporis diffusum; Fabry's disease; ALPHA-GALACTOSIDASE A DEFICIENCY; ANDERSON-FABRY DISEASE. Identifiers: Orphanet 324, MedGen C0002986, MONDO:0010526, OMIM 301500, HP:0001071. Disease mechanism: loss of function, Fabry disease is due to inactivating mutations in the X-linked GLA gene resulting in deficiency of the enzyme Alpha Galactosidase-A..

Submissions (4):

OLLIN Analises Genomicas, OLLIN
Classification: Uncertain significance. Last evaluated: 2026-08-06. Review status: criteria provided, single submitter. Criteria: ACMG Guidelines 2015 PMID 25741868. Collection method: clinical testing. Allele origin: germline.
Comment: This missense variant, located in exon 4 (of 7), is absent from gnomAD and has not been identified in the literature. However, it has been reported in ClinVar (accession VCV001901767.7). In silico analysis is inconclusive regarding the impact of this variant. This variant is located in a region considered to be a mutational hotspot. This gene is constrained for missense variation. According to the currently available evidence, this variant has been classified as uncertain significance (PM1, PM2_P, PP2).

Dasa
Classification: Uncertain significance. Last evaluated: 2026-01-28. Review status: criteria provided, single submitter. Criteria: DASA Assertion Criteria. Collection method: clinical testing. Allele origin: germline.
Comment: NM_000169.3(GLA):c.567G>C (p.Leu189Phe) is a missense variant that results in the substitution of leucine with phenylalanine. The affected residue or protein region has prior evidence supporting clinical relevance. This variant is rare in population databases. The currently available literature and clinical evidence are not sufficient to establish a definitive association between this variant and the reported condition. Therefore, this variant is classified as a variant of uncertain significance.

Labcorp Genetics (formerly Invitae), Labcorp
Classification: Uncertain significance for Fabry disease. Last evaluated: 2025-07-14. Review status: criteria provided, single submitter. Criteria: Invitae Variant Classification Sherloc (09022015). Collection method: clinical testing. Allele origin: germline.
Comment: This sequence change replaces leucine, which is neutral and non-polar, with phenylalanine, which is neutral and non-polar, at codon 189 of the GLA protein (p.Leu189Phe). This variant is not present in population databases (gnomAD no frequency). This variant has not been reported in the literature in individuals affected with GLA-related conditions. ClinVar contains an entry for this variant (Variation ID: 1901767). Invitae Evidence Modeling of protein sequence and biophysical properties (such as structural, functional, and spatial information, amino acid conservation, physicochemical variation, residue mobility, and thermodynamic stability) indicates that this missense variant is not expected to disrupt GLA protein function with a negative predictive value of 80%. In summary, the available evidence is currently insufficient to determine the role of this variant in disease. Therefore, it has been classified as a Variant of Uncertain Significance.

GeneDx
Classification: Uncertain significance. Last evaluated: 2024-06-18. Review status: criteria provided, single submitter. Criteria: GeneDx Variant Classification Process June 2021. Collection method: clinical testing. Allele origin: germline. Affected: yes.
Comment: Not observed at significant frequency in large population cohorts (gnomAD); In silico analysis indicates that this missense variant does not alter protein structure/function; Has not been previously published as pathogenic or benign to our knowledge